The following is an entry in ClinVar:

ClinVar aggregate classification (germline): Uncertain significance (1 of 4 stars; one submission).

Conditions:
Infantile spasms. Also called: Infantile spasm. Identifiers: MedGen C3887898, HP:0012469.

Allele frequency attached by ClinVar (database versions not stated): gnomAD exomes below 0.00001; TOPMed 0.00001.
gnomAD v4.1: 2 of 1,613,978 alleles (0.00012%); highest among the groups gnomAD compares: Admixed American, 0.0017%; no homozygotes.

Submission:

Labcorp Genetics (formerly Invitae), Labcorp
Classification: Uncertain significance for Infantile spasms. Last evaluated: 2025-10-19. Review status: criteria provided, single submitter. Criteria: Invitae Variant Classification Sherloc (09022015). Collection method: clinical testing. Allele origin: germline.
Comment: This sequence change replaces arginine, which is basic and polar, with cysteine, which is neutral and slightly polar, at codon 185 of the PIK3AP1 protein (p.Arg185Cys). This variant is not present in population databases (gnomAD no frequency). This variant has not been reported in the literature in individuals affected with PIK3AP1-related conditions. ClinVar contains an entry for this variant (Variation ID: 1522605). An algorithm developed to predict the effect of missense changes on protein structure and function (PolyPhen-2) suggests that this variant is likely to be disruptive. In summary, the available evidence is currently insufficient to determine the role of this variant in disease. Therefore, it has been classified as a Variant of Uncertain Significance.

NM_152309.3(PIK3AP1):c.553C>T (p.Arg185Cys)

Gene: PIK3AP1 (phosphoinositide-3-kinase adaptor protein 1; minus strand). Cytogenetic location: 10q24.1.
Variant type: single nucleotide variant.
Coding change: c.553C>T on transcript NM_152309.3 (MANE Select); coding-DNA position 553, C replaced by T.
Protein change: p.Arg185Cys; replaces arginine 185 with cysteine.
Molecular consequence: missense variant.
Genome position (GRCh38, 1-based): chr10:96,656,812, G>A on the plus strand (C>T on the coding strand, the complement: PIK3AP1 is on the minus strand). VCF-style: chr10-96656812-G-A. GRCh37 (hg19) VCF-style: chr10-98416569-G-A.
Other names: short protein forms R185C.
Identifiers: ClinVar variation 1522605 (VCV001522605.8), dbSNP rs749289928, ClinGen allele CA377749711.